The following is an entry in ClinVar:

ClinVar aggregate classification (germline): Likely benign. Review status: criteria provided, multiple submitters, no conflicts (2 of 4 stars). 2 submissions from 2 submitters: Likely benign (2). Last evaluated 2026-02-01.

Conditions:
Christianson syndrome (MRXSCH). Also called: INTELLECTUAL DEVELOPMENTAL DISORDER, X-LINKED, SYNDROMIC, CHRISTIANSON TYPE; X-linked mental retardation, syndromic, Christianson type; SLC9A6-Related Syndromic Mental Retardation. Identifiers: Orphanet 85278, MedGen C2678194, MONDO:0010278, OMIM 300243.

Allele frequency attached by ClinVar (database versions not stated): ExAC 0.00001; gnomAD exomes 0.00001 and 0.00002; gnomAD 0.00002; TOPMed 0.00003.
gnomAD v4.1: 10 of 1,151,623 alleles (0.00087%); highest among the groups gnomAD compares: Admixed American, 0.018%; no homozygotes.

Submissions (2):

CeGaT Center for Human Genetics Tuebingen
Classification: Likely benign. Last evaluated: 2026-02-01. Review status: criteria provided, single submitter. Criteria: CeGaT Center For Human Genetics Tuebingen Variant Classification Criteria Version 2. Collection method: clinical testing. Allele origin: germline. Affected: yes. Observed: 1 variant allele.
Comment: SLC9A6: BP4, BP7

Labcorp Genetics (formerly Invitae), Labcorp
Classification: Likely benign for Christianson syndrome. Last evaluated: 2025-05-19. Review status: criteria provided, single submitter. Criteria: Invitae Variant Classification Sherloc (09022015). Collection method: clinical testing. Allele origin: germline.

NM_001379110.1(SLC9A6):c.1170C>T (p.Asn390=)

Gene: SLC9A6 (solute carrier family 9 member A6; plus strand). Cytogenetic location: Xq26.3.
Variant type: single nucleotide variant.
Coding change: c.1170C>T on transcript NM_001379110.1 (MANE Select); coding-DNA position 1170, C replaced by T.
Protein change: p.Asn390=; no amino-acid change (asparagine 390 retained).
Molecular consequence: synonymous variant.
Genome position (GRCh38, 1-based): chrX:136,016,734, C>T. VCF-style: chrX-136016734-C-T. GRCh37 (hg19) VCF-style: chrX-135098893-C-T.
Other names: c.1326C>T, p.Asn442= (NM_001042537.2); c.1170C>T, p.Asn390= (NM_001177651.2); c.1074C>T, p.Asn358= (NM_001330652.2); c.1230C>T, p.Asn410= (NM_006359.3).
Identifiers: ClinVar variation 1547310 (VCV001547310.12), dbSNP rs781953296, ClinGen allele CA10524776.